The following is an entry in ClinVar:

ClinVar aggregate classification (germline): Uncertain significance (1 of 4 stars; one submission).

Submission:

GeneDx
Classification: Uncertain significance. Last evaluated: 2024-10-09. Review status: criteria provided, single submitter. Criteria: GeneDx Variant Classification Process June 2021. Collection method: clinical testing. Allele origin: germline. Affected: yes.
Comment: Not observed at significant frequency in large population cohorts (gnomAD); In silico analysis indicates that this missense variant does not alter protein structure/function; Has not been previously published as pathogenic or benign to our knowledge

NM_004187.5(KDM5C):c.85G>A (p.Gly29Ser)

Genes: KDM5C (lysine demethylase 5C; minus strand), LOC130068308 (ATAC-STARR-seq lymphoblastoid active region 29656; plus strand). Cytogenetic location: Xp11.22.
Variant type: single nucleotide variant.
Coding change: c.85G>A on transcript NM_004187.5 (MANE Select); coding-DNA position 85, G replaced by A.
Protein change: p.Gly29Ser; replaces glycine 29 with serine.
Molecular consequence: missense variant. On other transcripts: non-coding transcript variant (3).
Genome position (GRCh38, 1-based): chrX:53,224,805, C>T on the plus strand (G>A on the coding strand, the complement: KDM5C is on the minus strand). VCF-style: chrX-53224805-C-T. GRCh37 (hg19) VCF-style: chrX-53253987-C-T.
Other names: c.85G>A, p.Gly29Ser (NM_001146702.2, NM_001282622.3, NM_001353978.3 and 4 more transcripts); short protein forms G29S.
Identifiers: ClinVar variation 3777530 (VCV003777530.1).